The following is an entry in ClinVar:

NC_000006.11:g.(152861157_152949399)_(152949690_152957772)del

Gene: SYNE1 (spectrin repeat containing nuclear envelope protein 1; minus strand). Cytogenetic location: 6q25.2.
Variant type: Deletion.
Identifiers: ClinVar variation 2573631 (VCV002573631.1).

ClinVar aggregate classification (germline): Likely pathogenic (1 of 4 stars; one submission).

Conditions:
Emery-Dreifuss muscular dystrophy 4, autosomal dominant (EDMD4). Also called: EMERY-DREIFUSS MUSCULAR DYSTROPHY 4 WITH VARIABLE FEATURES. Identifiers: Orphanet 261, MedGen C2751807, MONDO:0013071, OMIM 612998.

Submission:

Women's Health and Genetics/Laboratory Corporation of America, LabCorp
Classification: Likely pathogenic for Emery-Dreifuss muscular dystrophy 4, autosomal dominant. Last evaluated: 2023-06-14. Review status: criteria provided, single submitter. Criteria: LabCorp Variant Classification Summary - May 2015. Collection method: clinical testing. Allele origin: germline.
Comment: Variant summary: The variant identified by MLPA or other technology involves the deletion of exon 2 in the SYNE1 gene, which contains the translation initiation codon. A presumed nomenclature of c.(-224+1_-223-1)_(67+1_68-1)del has been designated for the purposes of this classification. Although exact breakpoints of this deletion are not known, it is expected to result in an absent or shortened protein product, a known mechanism of disease. The variant was absent in 21694 control chromosomes (gnomAD, structural variants dataset). To our knowledge, no occurrence of c.(-224+1_-223-1)_(67+1_68-1)del in individuals affected with autosomal dominant Emery-Dreifuss Muscular Dystrophy 4 and no experimental evidence demonstrating its impact on protein function have been reported. No clinical diagnostic laboratories have submitted clinical-significance assessments for this variant to ClinVar after 2014. Based on the evidence outlined above, the variant was classified as likely pathogenic.